The following is an entry in ClinVar:

NM_006206.6(PDGFRA):c.1522G>A (p.Gly508Arg)

Gene: PDGFRA (platelet derived growth factor receptor alpha; plus strand). Cytogenetic location: 4q12.
Variant type: single nucleotide variant.
Coding change: c.1522G>A on transcript NM_006206.6 (MANE Select); coding-DNA position 1522, G replaced by A.
Protein change: p.Gly508Arg; replaces glycine 508 with arginine.
Molecular consequence: missense variant.
Genome position (GRCh38, 1-based): chr4:54,273,694, G>A. VCF-style: chr4-54273694-G-A. GRCh37 (hg19) VCF-style: chr4-55139861-G-A.
Other names: c.1522G>A, p.Gly508Arg (NM_001347827.2, NM_001347829.2); c.1597G>A, p.Gly533Arg (NM_001347828.2); c.1561G>A, p.Gly521Arg (NM_001347830.2); short protein forms G508R, G521R, G533R.
Identifiers: ClinVar variation 407385 (VCV000407385.16), dbSNP rs770129304, ClinGen allele CA2922589.
Genomic context (GRCh38, chr4:54,273,694, plus strand): 5'-GTGACTTTCGCCAAAGTGGAGGAGACCATCGCCGTGCGATGCCTGGCTAAGAATCTCCTT[G>A]GAGCTGAGAACCGAGAGCTGAAGCTGGTGGCTCCCAGTGAGTTCCTCAACAGTCAGGACA-3'
Protein context (NP_006197.1, residues 498-518): AVRCLAKNLL[Gly508Arg]AENRELKLVA

ClinVar aggregate classification (germline): Conflicting classifications of pathogenicity. Review status: criteria provided, conflicting classifications (1 of 4 stars). 5 submissions from 5 submitters: Uncertain significance (3); Likely benign (2). Last evaluated 2026-06-15.

Conditions:
Polyps, multiple and recurrent inflammatory fibroid, gastrointestinal. Identifiers: MedGen C5193005, MONDO:0008285, OMIM 175510.
Hereditary cancer-predisposing syndrome. Also called: Neoplastic Syndromes, Hereditary; Hereditary Cancer Syndrome; Hereditary neoplastic syndrome; Tumor predisposition. Identifiers: Orphanet 140162, MedGen C0027672, MeSH D009386, MONDO:0015356.
Gastrointestinal stromal tumor. Also called: Gastrointestinal stromal tumor, somatic; Gastrointestinal stroma tumor. Identifiers: Orphanet 44890, MedGen C0238198, MeSH D046152, MONDO:0011719, OMIM 606764, HP:0100723.

Allele frequency attached by ClinVar (database versions not stated): gnomAD exomes 0.00002 and 0.00004; TOPMed 0.00002; gnomAD 0.00003 and 0.00004; ExAC 0.00005.
gnomAD v4.1: 40 of 1,613,832 alleles (0.0025%); highest among the groups gnomAD compares: Admixed American, 0.0033%; no homozygotes.

Submissions (5):

Myriad Genetics, Inc.
Classification: Likely benign for Polyps, multiple and recurrent inflammatory fibroid, gastrointestinal. Last evaluated: 2026-06-15. Review status: criteria provided, single submitter. Criteria: Myriad Autosomal Dominant, Autosomal Recessive and X-Linked Classification Criteria (2023). Collection method: clinical testing. Allele origin: unknown.
Comment: This variant is considered likely benign. This variant has been observed at a population frequency that is significantly greater than expected given the associated disease prevalence and penetrance.

GeneDx
Classification: Uncertain significance. Last evaluated: 2025-04-01. Review status: criteria provided, single submitter. Criteria: GeneDx Variant Classification Process June 2021. Collection method: clinical testing. Allele origin: germline. Affected: yes.
Comment: In silico analysis supports that this missense variant has a deleterious effect on protein structure/function; Has not been previously published as pathogenic or benign to our knowledge

Labcorp Genetics (formerly Invitae), Labcorp
Classification: Uncertain significance for Gastrointestinal stromal tumor. Last evaluated: 2024-10-08. Review status: criteria provided, single submitter. Criteria: Invitae Variant Classification Sherloc (09022015). Collection method: clinical testing. Allele origin: germline.
Comment: This sequence change replaces glycine, which is neutral and non-polar, with arginine, which is basic and polar, at codon 508 of the PDGFRA protein (p.Gly508Arg). This variant is present in population databases (rs770129304, gnomAD 0.008%). This variant has not been reported in the literature in individuals affected with PDGFRA-related conditions. ClinVar contains an entry for this variant (Variation ID: 407385). Invitae Evidence Modeling of protein sequence and biophysical properties (such as structural, functional, and spatial information, amino acid conservation, physicochemical variation, residue mobility, and thermodynamic stability) indicates that this missense variant is not expected to disrupt PDGFRA protein function with a negative predictive value of 80%. In summary, the available evidence is currently insufficient to determine the role of this variant in disease. Therefore, it has been classified as a Variant of Uncertain Significance.

Baylor Genetics
Classification: Uncertain significance for Polyps, multiple and recurrent inflammatory fibroid, gastrointestinal. Last evaluated: 2023-08-11. Review status: criteria provided, single submitter. Criteria: ACMG Guidelines, 2015. Collection method: clinical testing. Allele origin: unknown.

Ambry Genetics
Classification: Likely benign for Hereditary cancer-predisposing syndrome. Last evaluated: 2022-12-02. Review status: criteria provided, single submitter. Criteria: Ambry Variant Classification Scheme 2023. Collection method: clinical testing. Allele origin: germline.